The following is an entry in ClinVar:

ClinVar aggregate classification (germline): Uncertain significance (1 of 4 stars; one submission).

Submission:

Labcorp Genetics (formerly Invitae), Labcorp
Classification: Uncertain significance. Last evaluated: 2025-08-22. Review status: criteria provided, single submitter. Criteria: Invitae Variant Classification Sherloc (09022015). Collection method: clinical testing. Allele origin: germline.
Comment: This variant, c.4706_4708del, results in the deletion of 1 amino acid(s) of the TOP2B protein (p.Lys1569del), but otherwise preserves the integrity of the reading frame. This variant is present in population databases (no rsID available, gnomAD 0.004%). This variant has not been reported in the literature in individuals affected with TOP2B-related conditions. Experimental studies and prediction algorithms are not available or were not evaluated, and the functional significance of this variant is currently unknown. In summary, the available evidence is currently insufficient to determine the role of this variant in disease. Therefore, it has been classified as a Variant of Uncertain Significance.

NM_001330700.2(TOP2B):c.4718AGA[1] (p.Lys1574del)

Gene: TOP2B (DNA topoisomerase II beta; minus strand). Cytogenetic location: 3p24.2.
Variant type: Microsatellite.
Coding change: c.4718AGA[1] on transcript NM_001330700.2 (MANE Select); one copy of the 3-base unit AGA starting at c.4718; the reference has two copies in a row; one copy, 3 bases deleted.
Protein change: p.Lys1574del; deletes lysine 1574.
Genome position (GRCh38, 1-based): chr3:25,598,465-25,598,467, TCT deleted on the plus strand (AGA on the coding strand, the reverse complement: TOP2B is on the minus strand); deleting any 3 consecutive bases within chr3:25,598,465-25,598,472 gives the same sequence; the position shown is the placement nearest the transcript's 3' end. VCF-style (leftmost placement, unchanged base first): chr3-25598464-GTCT-G. GRCh37 (hg19) VCF-style: chr3-25639955-GTCT-G.
Other names: c.4703AGA[1], p.Lys1569del (NM_001068.3); short protein forms K1569del, K1574del.
Identifiers: ClinVar variation 4761004 (VCV004761004.1).
Genomic context (GRCh38, chr3:25,598,464, plus strand): 5'-GGTGGCTCAGTAGGGAAGTCTGAGGGGAAGATGTCCACATCTGAATCCTGATCAAAAGAT[GTCT>G]TCTTCGGTTTCTAGATTTTTTTTCAATAGATTTAAAAGTTATGAAAGGAAGTAAAGACTA-3'